The following is an entry in ClinVar:

ClinVar aggregate classification (germline): Conflicting classifications of pathogenicity. Review status: criteria provided, conflicting classifications (1 of 4 stars). 3 submissions from 3 submitters: Uncertain significance (1); Likely benign (2). Last evaluated 2025-07-23.

Conditions:
Long QT syndrome 10 (LQT10). Identifiers: Orphanet 101016, Orphanet 768, MedGen C2678484, MONDO:0012737, OMIM 611819.
Cardiovascular phenotype. Identifiers: MedGen CN230736.

gnomAD v4.1: 15 of 1,612,416 alleles (0.00093%); highest among the groups gnomAD compares: Admixed American, 0.025%; no homozygotes.

Submissions (3):

Labcorp Genetics (formerly Invitae), Labcorp
Classification: Uncertain significance for Long QT syndrome 10. Last evaluated: 2025-07-23. Review status: criteria provided, single submitter. Criteria: Invitae Variant Classification Sherloc (09022015). Collection method: clinical testing. Allele origin: germline.
Comment: This sequence change replaces asparagine, which is neutral and polar, with lysine, which is basic and polar, at codon 160 of the SCN4B protein (p.Asn160Lys). This variant is present in population databases (rs72546675, gnomAD 0.04%), and has an allele count higher than expected for a pathogenic variant. This variant has not been reported in the literature in individuals affected with SCN4B-related conditions. ClinVar contains an entry for this variant (Variation ID: 1331417). An algorithm developed to predict the effect of missense changes on protein structure and function (PolyPhen-2) suggests that this variant is likely to be tolerated. In summary, the available evidence is currently insufficient to determine the role of this variant in disease. Therefore, it has been classified as a Variant of Uncertain Significance.

Ambry Genetics
Classification: Likely benign for Cardiovascular phenotype. Last evaluated: 2025-01-22. Review status: criteria provided, single submitter. Criteria: Ambry Variant Classification Scheme 2023. Collection method: clinical testing. Allele origin: germline.

Women's Health and Genetics/Laboratory Corporation of America, LabCorp
Classification: Likely benign. Last evaluated: 2021-12-15. Review status: criteria provided, single submitter. Criteria: LabCorp Variant Classification Summary - May 2015. Collection method: clinical testing. Allele origin: germline.
Comment: Variant summary: SCN4B c.480C>G (p.Asn160Lys) results in a non-conservative amino acid change in the encoded protein sequence. Three of five in-silico tools predict a damaging effect of the variant on protein function. The variant allele was found at a frequency of 5.6e-05 in 251412 control chromosomes, predominantly at a frequency of 0.0004 within the Latino subpopulation in the gnomAD database. The observed variant frequency within Latino control individuals in the gnomAD database is approximately 136 fold of the estimated maximal expected allele frequency for a pathogenic variant in SCN4B causing Long QT Syndrome phenotype (2.9e-06), strongly suggesting that the variant is a benign polymorphism found primarily in populations of Latino origin. To our knowledge, no occurrence of c.480C>G in individuals affected with Long QT Syndrome and no experimental evidence demonstrating its impact on protein function have been reported. No clinical diagnostic laboratories have submitted clinical-significance assessments for this variant to ClinVar after 2014. Based on the evidence outlined above, the variant was classified as likely benign.

NM_174934.4(SCN4B):c.480C>G (p.Asn160Lys)

Gene: SCN4B (sodium voltage-gated channel beta subunit 4; minus strand). Cytogenetic location: 11q23.3.
Variant type: single nucleotide variant.
Coding change: c.480C>G on transcript NM_174934.4 (MANE Select); coding-DNA position 480, C replaced by G.
Protein change: p.Asn160Lys; replaces asparagine 160 with lysine.
Molecular consequence: missense variant. On other transcripts: non-coding transcript variant (1).
Genome position (GRCh38, 1-based): chr11:118,141,320, G>C on the plus strand (C>G on the coding strand, the complement: SCN4B is on the minus strand). VCF-style: chr11-118141320-G-C. GRCh37 (hg19) VCF-style: chr11-118012035-G-C.
Other names: c.78C>G, p.Asn26Lys (NM_001142348.2); c.150C>G, p.Asn50Lys (NM_001142349.2); short protein forms N160K, N26K, N50K.
Identifiers: ClinVar variation 1331417 (VCV001331417.4), dbSNP rs72546675, ClinGen allele CA6300190.
Genomic context (GRCh38, chr11:118,141,320, plus strand): 5'-GATGAGGATGAGGAGCCCGATGACCCCGCCCACGACAGCCAGGATGATGAGTGTCACTGT[G>C]TTGTCCACTTCTTCCACTGTGTGGCCCGAGTAGGGAGGAAAGGGAAGGCACAAAGGGAGC-3'
Protein context (NP_777594.1, residues 150-170): QVVDRLEEVD[Asn160Lys]TVTLIILAVV